The following is an entry in ClinVar:

NM_002907.4(RECQL):c.1114G>A (p.Val372Ile)

Gene: RECQL (RecQ like helicase; minus strand). Cytogenetic location: 12p12.1.
Variant type: single nucleotide variant.
Coding change: c.1114G>A on transcript NM_002907.4 (MANE Select); coding-DNA position 1114, G replaced by A.
Protein change: p.Val372Ile; replaces valine 372 with isoleucine.
Molecular consequence: missense variant.
Genome position (GRCh38, 1-based): chr12:21,475,570, C>T on the plus strand (G>A on the coding strand, the complement: RECQL is on the minus strand). VCF-style: chr12-21475570-C-T. GRCh37 (hg19) VCF-style: chr12-21628504-C-T.
Other names: c.1114G>A, p.Val372Ile (NM_032941.3); short protein forms V372I.
Identifiers: ClinVar variation 1116480 (VCV001116480.14), dbSNP rs2230003, ClinGen allele CA6478853.

ClinVar aggregate classification (germline): Benign/Likely benign. Review status: criteria provided, multiple submitters, no conflicts (2 of 4 stars). 3 submissions from 3 submitters: Benign (1); Likely benign (2). Last evaluated 2026-01-16.

Allele frequency attached by ClinVar (database versions not stated): gnomAD exomes 0.00026; 1000 Genomes Project 30x 0.00125; 1000 Genomes Project 0.00140.
gnomAD v4.1: 131 of 1,612,110 alleles (0.0081%); highest among the groups gnomAD compares: East Asian, 0.16%; no homozygotes.

Submissions (3):

Labcorp Genetics (formerly Invitae), Labcorp
Classification: Likely benign. Last evaluated: 2026-01-16. Review status: criteria provided, single submitter. Criteria: Invitae Variant Classification Sherloc (09022015). Collection method: clinical testing. Allele origin: germline.

GeneDx
Classification: Likely benign. Last evaluated: 2021-11-22. Review status: criteria provided, single submitter. Criteria: GeneDx Variant Classification Process June 2021. Collection method: clinical testing. Allele origin: germline. Affected: yes.
Comment: In silico analysis supports that this missense variant does not alter protein structure/function; Has not been previously published as pathogenic or benign to our knowledge; In-silico analysis is inconclusive as to whether the variant alters gene splicing. In the absence of RNA/functional studies, the actual effect of this sequence change is unknown.; This variant is associated with the following publications: (PMID: 26455304, 19151156, 27248010)

Ambry Genetics
Classification: Benign. Last evaluated: 2020-08-20. Review status: criteria provided, single submitter. Criteria: Ambry Variant Classification Scheme 2023. Collection method: clinical testing. Allele origin: germline.